The following is an entry in ClinVar:

NM_014727.3(KMT2B):c.118del (p.Ala40fs)

Gene: KMT2B (lysine methyltransferase 2B; plus strand). Cytogenetic location: 19q13.12.
Variant type: Deletion.
Coding change: c.118del on transcript NM_014727.3 (MANE Select); coding-DNA position 118, one base deleted (G; older notation c.118delG).
Protein change: p.Ala40fs; shifts the reading frame from alanine 40.
Molecular consequence: frameshift variant.
Genome position (GRCh38, 1-based): chr19:35,718,136, G deleted; the last of 4 consecutive G bases (chr19:35,718,133-35,718,136); deleting any one gives the same sequence. VCF-style (leftmost placement, unchanged base first): chr19-35718132-CG-C. GRCh37 (hg19) VCF-style: chr19-36209034-CG-C.
Other names: short protein forms A40fs.
Identifiers: ClinVar variation 870575 (VCV000870575.3), dbSNP rs1969024891, ClinGen allele CA1139666405.
Genomic context (GRCh38, chr19:35,718,132, plus strand): 5'-CCGCTTCCCGGGCCGGCCGCGGGGCGCCGGCGGGGGCGGGGGCCGCGGCGGACGGGGCAA[CG>C]GGGCCGAAAGAGTGCGGGTAGCTCTGCGGCGCGGCGGTGGCGCGACGGGGCCGGGCGGAG-3'

ClinVar aggregate classification (germline): Pathogenic (1 of 4 stars; one submission).

Conditions:
Dystonia 28, childhood-onset (DYT28). Also called: KMT2B-Related Dystonia (DYT-KMT2B). Identifiers: Orphanet 589618, MedGen C4310633, MONDO:0015004, OMIM 617284.

Submission:

Undiagnosed Diseases Network, NIH
Classification: Pathogenic for Dystonia 28, childhood-onset. Last evaluated: 2019-03-06. Review status: criteria provided, single submitter. Criteria: ACMG Guidelines, 2015. Collection method: clinical testing. Allele origin: de novo. Inheritance: Autosomal dominant inheritance. Affected: yes. Observed: 2 variant alleles, 2 heterozygotes. Clinical features observed: Dystonia (HP:0001332), Dysarthria (HP:0001260), Brain imaging abnormality (HP:0410263).